The following is an entry in ClinVar:

NM_006852.6(TLK2):c.2139G>A (p.Leu713=)

Gene: TLK2 (tousled like kinase 2; plus strand). Cytogenetic location: 17q23.2.
Variant type: single nucleotide variant.
Coding change: c.2139G>A on transcript NM_006852.6 (MANE Select); coding-DNA position 2139, G replaced by A.
Protein change: p.Leu713=; no amino-acid change (leucine 713 retained).
Molecular consequence: synonymous variant.
Genome position (GRCh38, 1-based): chr17:62,612,451, G>A. VCF-style: chr17-62612451-G-A. GRCh37 (hg19) VCF-style: chr17-60689812-G-A.
Other names: c.2205G>A, p.Leu735= (NM_001284333.3); c.2043G>A, p.Leu681= (NM_001284363.1, NM_001375272.1); c.1692G>A, p.Leu564= (NM_001330418.3, NM_001375273.1); c.2181G>A, p.Leu727= (NM_001375269.1); c.2139G>A, p.Leu713= (NM_001375270.1, NM_001375271.1); c.1854G>A, p.Leu618= (NM_001411074.1).
Identifiers: ClinVar variation 2506336 (VCV002506336.1), dbSNP rs1395964617, ClinGen allele CA501164766.

ClinVar aggregate classification (germline): Likely benign (1 of 4 stars; one submission).

Allele frequency attached by ClinVar (database versions not stated): gnomAD 0.00001.
gnomAD v4.1: 1 of 1,614,050 alleles (0.000062%); highest among the groups gnomAD compares: Non-Finnish European, 0.000085%; no homozygotes.

Submission:

Women's Health and Genetics/Laboratory Corporation of America, LabCorp
Classification: Likely benign. Last evaluated: 2023-05-17. Review status: criteria provided, single submitter. Criteria: LabCorp Variant Classification Summary - May 2015. Collection method: clinical testing. Allele origin: germline.
Comment: Variant summary: TLK2 c.2139G>A alters a conserved nucleotide resulting in a synonymous change. 4/4 computational tools predict no significant impact on normal splicing. However, these predictions have yet to be confirmed by functional studies. The variant was absent in 251434 control chromosomes (gnomAD). The available data on variant occurrences in the general population are insufficient to allow any conclusion about variant significance. To our knowledge, no occurrence of c.2139G>A in individuals affected with Intellectual Disability, Autosomal Dominant 57 and no experimental evidence demonstrating its impact on protein function have been reported. No clinical diagnostic laboratories have submitted clinical-significance assessments for this variant to ClinVar after 2014. Based on the evidence outlined above, the variant was classified as likely benign.